The following is an entry in ClinVar:

ClinVar aggregate classification (germline): Uncertain significance. Review status: criteria provided, multiple submitters, no conflicts (2 of 4 stars). 2 submissions from 2 submitters: Uncertain significance (2). Last evaluated 2024-02-28.

Conditions:
Cranioectodermal dysplasia 1 (CED1). Also called: LEVIN SYNDROME I. Identifiers: Orphanet 1515, MedGen C0432235, MONDO:0021093, OMIM 218330.

Allele frequency attached by ClinVar (database versions not stated): gnomAD exomes below 0.00001; TOPMed below 0.00001.
gnomAD v4.1: 1 of 1,614,052 alleles (0.000062%); highest among the groups gnomAD compares: Non-Finnish European, 0.000085%; no homozygotes.

Submissions (2):

Fulgent Genetics
Classification: Uncertain significance for Cranioectodermal dysplasia 1. Last evaluated: 2024-02-28. Review status: criteria provided, single submitter. Criteria: ACMG Guidelines, 2015. Collection method: clinical testing. Allele origin: germline.

Labcorp Genetics (formerly Invitae), Labcorp
Classification: Uncertain significance for Cranioectodermal dysplasia 1. Last evaluated: 2023-10-03. Review status: criteria provided, single submitter. Criteria: Invitae Variant Classification Sherloc (09022015). Collection method: clinical testing. Allele origin: germline.
Comment: This sequence change replaces valine, which is neutral and non-polar, with alanine, which is neutral and non-polar, at codon 314 of the IFT122 protein (p.Val314Ala). This variant is not present in population databases (gnomAD no frequency). This variant has not been reported in the literature in individuals affected with IFT122-related conditions. Advanced modeling of protein sequence and biophysical properties (such as structural, functional, and spatial information, amino acid conservation, physicochemical variation, residue mobility, and thermodynamic stability) performed at Invitae indicates that this missense variant is not expected to disrupt IFT122 protein function. In summary, the available evidence is currently insufficient to determine the role of this variant in disease. Therefore, it has been classified as a Variant of Uncertain Significance.

NM_052989.3(IFT122):c.788T>C (p.Val263Ala)

Gene: IFT122 (intraflagellar transport 122; plus strand). Cytogenetic location: 3q21.3.
Variant type: single nucleotide variant.
Coding change: c.788T>C on transcript NM_052989.3 (MANE Select); coding-DNA position 788, T replaced by C.
Protein change: p.Val263Ala; replaces valine 263 with alanine.
Molecular consequence: missense variant.
Genome position (GRCh38, 1-based): chr3:129,469,389, T>C. VCF-style: chr3-129469389-T-C. GRCh37 (hg19) VCF-style: chr3-129188232-T-C.
Other names: c.764T>C, p.Val255Ala (NM_001280541.2); c.338T>C, p.Val113Ala (NM_001280545.2); c.161T>C, p.Val54Ala (NM_001280546.2); c.788T>C, p.Val263Ala (NM_001410808.1, NM_001410809.1); c.611T>C, p.Val204Ala (NM_001410810.1, NM_001410811.1, NM_001410813.1 and 1 more transcripts); c.455T>C, p.Val152Ala (NM_001410815.1, NM_001410817.1, NM_052990.3); c.941T>C, p.Val314Ala (NM_052985.4); short protein forms V113A, V204A, V314A, V152A, V255A, V263A, V54A.
Identifiers: ClinVar variation 2957016 (VCV002957016.4), dbSNP rs935305563, ClinGen allele CA82610101.